The following is an entry in ClinVar:

ClinVar aggregate classification (germline): Benign. Review status: criteria provided, multiple submitters, no conflicts (2 of 4 stars). 2 submissions from 2 submitters: Benign (2). Last evaluated 2019-12-31.

Conditions:
Long QT syndrome (LQTS). Identifiers: MedGen C0023976, MeSH D008133, MONDO:0002442. Disease mechanism: loss of function. Inheritance: Various modes of inheritance.

Allele frequency attached by ClinVar (database versions not stated): 1000 Genomes Project 30x 0.83370; 1000 Genomes Project 0.83606; TOPMed 0.87537; gnomAD 0.88572 and 0.88631.
gnomAD v4.1: 134,824 of 152,064 alleles (89%); highest among the groups gnomAD compares: Non-Finnish European, 95%; 60,308 homozygotes.

Submissions (2):

Labcorp Genetics (formerly Invitae), Labcorp
Classification: Benign for Long QT syndrome. Last evaluated: 2019-12-31. Review status: criteria provided, single submitter. Criteria: Invitae Variant Classification Sherloc (09022015). Collection method: clinical testing. Allele origin: germline.

GeneDx
Classification: Benign. Last evaluated: 2018-06-19. Review status: criteria provided, single submitter. Criteria: GeneDx Variant Classification (06012015). Collection method: clinical testing. Allele origin: germline. Affected: yes.
Comment: This variant is considered likely benign or benign based on one or more of the following criteria: it is a conservative change, it occurs at a poorly conserved position in the protein, it is predicted to be benign by multiple in silico algorithms, and/or has population frequency not consistent with disease.

NM_000719.7(CACNA1C):c.1508+317C>T

Gene: CACNA1C (calcium voltage-gated channel subunit alpha1 C; plus strand). Cytogenetic location: 12p13.33.
Variant type: single nucleotide variant.
Coding change: c.1508+317C>T on transcript NM_000719.7 (MANE Select); 317 bases into the intron after coding-DNA position 1508, C replaced by T.
Molecular consequence: intron variant.
Genome position (GRCh38, 1-based): chr12:2,557,294, C>T. VCF-style: chr12-2557294-C-T. GRCh37 (hg19) VCF-style: chr12-2666460-C-T.
Other names: c.1508+317C>T (NM_001167624.3, NM_001167623.2, NM_001167625.2 and 18 more transcripts); c.1499+317C>T (NM_001129844.2).
Identifiers: ClinVar variation 683269 (VCV000683269.5), dbSNP rs2370598, ClinGen allele CA231608192.